The following is an entry in ClinVar:

NM_004006.3(DMD):c.3592G>A (p.Glu1198Lys)

Gene: DMD (dystrophin; minus strand). Cytogenetic location: Xp21.1.
Variant type: single nucleotide variant.
Coding change: c.3592G>A on transcript NM_004006.3 (MANE Select); coding-DNA position 3592, G replaced by A.
Protein change: p.Glu1198Lys; replaces glutamic acid 1198 with lysine.
Molecular consequence: missense variant.
Genome position (GRCh38, 1-based): chrX:32,454,673, C>T on the plus strand (G>A on the coding strand, the complement: DMD is on the minus strand). VCF-style: chrX-32454673-C-T. GRCh37 (hg19) VCF-style: chrX-32472790-C-T.
Other names: c.3568G>A, p.Glu1190Lys (NM_000109.4); c.3580G>A, p.Glu1194Lys (NM_004009.3); c.3223G>A, p.Glu1075Lys (NM_004010.3); short protein forms E1194K, E1075K, E1190K, E1198K.
Identifiers: ClinVar variation 2147207 (VCV002147207.7), dbSNP rs756522820, ClinGen allele CA10379239.

ClinVar aggregate classification (germline): Conflicting classifications of pathogenicity. Review status: criteria provided, conflicting classifications (1 of 4 stars). 4 submissions from 4 submitters: Uncertain significance (3); Likely benign (1). Last evaluated 2026-05-07.

Conditions:
Cardiovascular phenotype. Identifiers: MedGen CN230736.
Duchenne muscular dystrophy (DMD). Also called: MUSCULAR DYSTROPHY, PSEUDOHYPERTROPHIC PROGRESSIVE, DUCHENNE TYPE; Duchenne Muscular Dystrophy (DMD). Identifiers: Orphanet 98896, MedGen C0013264, MONDO:0010679, OMIM 310200.

Allele frequency attached by ClinVar (database versions not stated): ExAC 0.00001.

Submissions (4):

Ambry Genetics
Classification: Likely benign for Cardiovascular phenotype. Last evaluated: 2026-05-07. Review status: criteria provided, single submitter. Criteria: Ambry Variant Classification Scheme 2023. Collection method: clinical testing. Allele origin: germline.

Labcorp Genetics (formerly Invitae), Labcorp
Classification: Uncertain significance for Duchenne muscular dystrophy. Last evaluated: 2025-01-14. Review status: criteria provided, single submitter. Criteria: Invitae Variant Classification Sherloc (09022015). Collection method: clinical testing. Allele origin: germline.
Comment: This sequence change replaces glutamic acid, which is acidic and polar, with lysine, which is basic and polar, at codon 1198 of the DMD protein (p.Glu1198Lys). The frequency data for this variant in the population databases is considered unreliable, as metrics indicate poor data quality at this position in the gnomAD database. This variant has not been reported in the literature in individuals affected with DMD-related conditions. ClinVar contains an entry for this variant (Variation ID: 2147207). Invitae Evidence Modeling of protein sequence and biophysical properties (such as structural, functional, and spatial information, amino acid conservation, physicochemical variation, residue mobility, and thermodynamic stability) indicates that this missense variant is not expected to disrupt DMD protein function with a negative predictive value of 95%. In summary, the available evidence is currently insufficient to determine the role of this variant in disease. Therefore, it has been classified as a Variant of Uncertain Significance.

GeneDx
Classification: Uncertain significance. Last evaluated: 2023-08-08. Review status: criteria provided, single submitter. Criteria: GeneDx Variant Classification Process June 2021. Collection method: clinical testing. Allele origin: germline. Affected: yes.
Comment: In silico analysis supports that this missense variant does not alter protein structure/function; Has not been previously published as pathogenic or benign to our knowledge

Revvity Omics, Revvity
Classification: Uncertain significance. Last evaluated: 2022-06-22. Review status: criteria provided, single submitter. Criteria: ACMG Guidelines, 2015. Collection method: clinical testing. Allele origin: germline.